The following is an entry in ClinVar:

ClinVar aggregate classification (germline): Conflicting classifications of pathogenicity. Review status: criteria provided, conflicting classifications (1 of 4 stars). 3 submissions from 3 submitters: Likely pathogenic (1); Uncertain significance (2). Last evaluated 2023-12-21.

Conditions:
Stickler syndrome type 2 (STL2). Also called: STICKLER SYNDROME, TYPE II; COL11A1-Related Stickler Syndrome; STICKLER SYNDROME, BEADED VITREOUS TYPE; STICKLER SYNDROME, VITREOUS TYPE 2. Identifiers: Orphanet 828, Orphanet 90654, MedGen C1858084, MONDO:0011493, OMIM 604841.

Submissions (3):

Broad Center for Mendelian Genomics, Broad Institute of MIT and Harvard
Classification: Uncertain significance for Stickler syndrome type 2. Last evaluated: 2023-12-21. Review status: criteria provided, single submitter. Criteria: ACMG Guidelines, 2015. Collection method: curation. Allele origin: germline. Inheritance: Autosomal dominant inheritance. Study: GREGoR Consortium.
Comment: The c.3276+5G>A variant in COL11A1 was identified by our study in 2 family members with Stickler syndrome type 2. This variant was absent from large population studies. This variant is located in the 5' splice region. Computational tools do suggest an impact to splicing. However, this information is not predictive enough to determine pathogenicity. An additional likely pathogenic variant, predicted to induce the same splicing effect as this variant, has been reported in ClinVar as being associated with Stickler syndrome type 2, supporting that the c.3276+5G>A variant may be pathogenic (Variation ID: 1698769). In summary, while there is some suspicion for a pathogenic role, the clinical significance of this variant is uncertain. ACMG/AMP Criteria applied: PP3, PM2_supporting, PS1_supporting (Richards 2015).

GeneDx
Classification: Likely pathogenic. Last evaluated: 2023-07-26. Review status: criteria provided, single submitter. Criteria: GeneDx Variant Classification Process June 2021. Collection method: clinical testing. Allele origin: germline. Affected: yes.
Comment: Has not been previously published as pathogenic or benign to our knowledge; Not observed in large population cohorts (gnomAD); Intronic +5 splice site variant in a gene for which loss of function is a known mechanism of disease, and both splice predictors and evolutionary conservation support a deleterious effect, although in the absence of functional evidence the actual effect of this sequence change is unknown.; Damages or destroys the splice donor site in intron 42, and is expected to cause abnormal gene splicing; if the splice outcome is exon skip, the loss of the encoded residues in the triple helical region is expected to disrupt normal protein folding and function (HGMD; Acke et al., 2014); This variant is associated with the following publications: (PMID: 25240749)

Labcorp Genetics (formerly Invitae), Labcorp
Classification: Uncertain significance. Last evaluated: 2022-11-22. Review status: criteria provided, single submitter. Criteria: Invitae Variant Classification Sherloc (09022015). Collection method: clinical testing. Allele origin: germline.
Comment: In summary, the available evidence is currently insufficient to determine the role of this variant in disease. Therefore, it has been classified as a Variant of Uncertain Significance. Variants that disrupt the consensus splice site are a relatively common cause of aberrant splicing (PMID: 17576681, 9536098). Algorithms developed to predict the effect of sequence changes on RNA splicing suggest that this variant may disrupt the consensus splice site. ClinVar contains an entry for this variant (Variation ID: 1503133). This variant has not been reported in the literature in individuals affected with COL11A1-related conditions. This variant is not present in population databases (gnomAD no frequency). This sequence change falls in intron 42 of the COL11A1 gene. It does not directly change the encoded amino acid sequence of the COL11A1 protein. It affects a nucleotide within the consensus splice site.

Literature cited by the submitters: PubMed 17576681 (cited by Labcorp Genetics (formerly Invitae), Labcorp); PubMed 9536098 (cited by Labcorp Genetics (formerly Invitae), Labcorp).

NM_001854.4(COL11A1):c.3276+5G>A

Gene: COL11A1 (collagen type XI alpha 1 chain; minus strand). Cytogenetic location: 1p21.1.
Variant type: single nucleotide variant.
Coding change: c.3276+5G>A on transcript NM_001854.4 (MANE Select); 5 bases into the intron after coding-DNA position 3276, G replaced by A.
Molecular consequence: intron variant.
Genome position (GRCh38, 1-based): chr1:102,946,844, C>T on the plus strand (G>A on the coding strand, the complement: COL11A1 is on the minus strand). VCF-style: chr1-102946844-C-T. GRCh37 (hg19) VCF-style: chr1-103412400-C-T.
Other names: c.3159+5G>A (NM_001190709.2); c.3312+5G>A (NM_080629.3); c.2928+5G>A (NM_080630.4).
Identifiers: ClinVar variation 1503133 (VCV001503133.8), dbSNP rs2101406246, ClinGen allele CA2573130861.